The following is an entry in ClinVar:

NM_000059.4(BRCA2):c.316+6T>G

Gene: BRCA2 (BRCA2 DNA repair associated; plus strand). Cytogenetic location: 13q13.1.
Variant type: single nucleotide variant.
Coding change: c.316+6T>G on transcript NM_000059.4 (MANE Select); 6 bases into the intron after coding-DNA position 316, T replaced by G.
Molecular consequence: intron variant.
Genome position (GRCh38, 1-based): chr13:32,319,331, T>G. VCF-style: chr13-32319331-T-G. GRCh37 (hg19) VCF-style: chr13-32893468-T-G.
Identifiers: ClinVar variation 2006993 (VCV002006993.4), dbSNP rs81002900, ClinGen allele CA609453755.

ClinVar aggregate classification (germline): Uncertain significance (1 of 4 stars; one submission).

Conditions:
Hereditary breast ovarian cancer syndrome. Also called: Hereditary breast and ovarian cancer syndrome (HBOC); Hereditary breast and ovarian cancer syndrome; Hereditary breast and ovarian cancer; Breast and ovarian cancer; BRCA1- and BRCA2-Associated Hereditary Breast and Ovarian Cancer; Hereditary breast and/or ovarian cancer syndrome. Identifiers: Orphanet 145, MedGen C0677776, MeSH D061325, MONDO:0003582. Disease mechanism: loss of function.

Allele frequency attached by ClinVar (database versions not stated): gnomAD 0.00001.
gnomAD v4.1: 1 of 1,608,582 alleles (0.000062%); highest among the groups gnomAD compares: Non-Finnish European, 0.000085%; no homozygotes.

Submission:

Labcorp Genetics (formerly Invitae), Labcorp
Classification: Uncertain significance for Hereditary breast ovarian cancer syndrome. Last evaluated: 2023-12-11. Review status: criteria provided, single submitter. Criteria: Invitae Variant Classification Sherloc (09022015). Collection method: clinical testing. Allele origin: germline.
Comment: This sequence change falls in intron 3 of the BRCA2 gene. It does not directly change the encoded amino acid sequence of the BRCA2 protein. It affects a nucleotide within the consensus splice site. This variant is present in population databases (no rsID available, gnomAD 0.007%). This variant has not been reported in the literature in individuals affected with BRCA2-related conditions. ClinVar contains an entry for this variant (Variation ID: 2006993). Variants that disrupt the consensus splice site are a relatively common cause of aberrant splicing (PMID: 17576681, 9536098). Algorithms developed to predict the effect of sequence changes on RNA splicing suggest that this variant may disrupt the consensus splice site. In summary, the available evidence is currently insufficient to determine the role of this variant in disease. Therefore, it has been classified as a Variant of Uncertain Significance.

Literature cited by the submitters: PubMed 17576681; PubMed 9536098.